The following is an entry in ClinVar:

NM_000059.4(BRCA2):c.9583A>G (p.Thr3195Ala)

Gene: BRCA2 (BRCA2 DNA repair associated; plus strand). Cytogenetic location: 13q13.1.
Variant type: single nucleotide variant.
Coding change: c.9583A>G on transcript NM_000059.4 (MANE Select); coding-DNA position 9583, A replaced by G.
Protein change: p.Thr3195Ala; replaces threonine 3195 with alanine.
Molecular consequence: missense variant.
Genome position (GRCh38, 1-based): chr13:32,396,979, A>G. VCF-style: chr13-32396979-A-G. GRCh37 (hg19) VCF-style: chr13-32971116-A-G.
Other names: 9811A>G; short protein forms T3195A.
Identifiers: ClinVar variation 52872 (VCV000052872.37), dbSNP rs80359227, ClinGen allele CA026222.
Genomic context (GRCh38, chr13:32,396,979, plus strand): 5'-GAAGCAGAAAACAAGCTTATGCATATACTGCATGCAAATGATCCCAAGTGGTCCACCCCA[A>G]CTAAAGACTGTACTTCAGGGCCGTACACTGCTCAAATCATTCCTGGTACAGGAAACAAGC-3'
Protein context (NP_000050.3, residues 3185-3205): HANDPKWSTP[Thr3195Ala]KDCTSGPYTA

ClinVar aggregate classification (germline): Conflicting classifications of pathogenicity. Review status: criteria provided, conflicting classifications (1 of 4 stars). 13 submissions from 13 submitters: Uncertain significance (4); Benign (2); Likely benign (4). 3 of the submissions do not count toward it. Last evaluated 2025-11-10.

Conditions:
BRCA2-related disorder. Also called: BRCA2-related condition; BRCA2-related disorders. Identifiers: MedGen CN239275.
Hereditary cancer-predisposing syndrome. Also called: Hereditary Cancer Syndrome; Neoplastic Syndromes, Hereditary; Hereditary neoplastic syndrome; Tumor predisposition. Identifiers: Orphanet 140162, MedGen C0027672, MeSH D009386, MONDO:0015356.
Familial cancer of breast. Also called: hereditary breast carcinoma; BREAST CANCER, FAMILIAL; Hereditary breast cancer. Identifiers: Orphanet 227535, MedGen C0346153, MONDO:0016419, OMIM 114480. Disease mechanism: loss of function.
Breast-ovarian cancer, familial, susceptibility to, 2 (BROVCA2). Also called: BRCA2 Hereditary Breast and Ovarian Cancer. Identifiers: Orphanet 145, MedGen C2675520, MONDO:0012933, OMIM 612555. Disease mechanism: loss of function.
Hereditary breast ovarian cancer syndrome. Also called: Hereditary breast and ovarian cancer syndrome; Breast and ovarian cancer; BRCA1- and BRCA2-Associated Hereditary Breast and Ovarian Cancer; Hereditary breast and/or ovarian cancer syndrome; Hereditary breast and ovarian cancer; Hereditary breast and ovarian cancer syndrome (HBOC). Identifiers: Orphanet 145, MedGen C0677776, MeSH D061325, MONDO:0003582. Disease mechanism: loss of function.

Allele frequency attached by ClinVar (database versions not stated): ExAC 0.00001; gnomAD 0.00001; gnomAD exomes 0.00001 and 0.00002; TOPMed 0.00002.
gnomAD v4.1: 14 of 1,614,018 alleles (0.00087%); highest among the groups gnomAD compares: Admixed American, 0.005%; no homozygotes.

Submissions (13):

Labcorp Genetics (formerly Invitae), Labcorp
Classification: Likely benign for Hereditary breast ovarian cancer syndrome. Last evaluated: 2025-11-10. Review status: criteria provided, single submitter. Criteria: Invitae Variant Classification Sherloc (09022015). Collection method: clinical testing. Allele origin: germline.

Women's Health and Genetics/Laboratory Corporation of America, LabCorp
Classification: Uncertain significance. Last evaluated: 2025-10-10. Review status: criteria provided, single submitter. Criteria: LabCorp Variant Classification Summary - May 2015. Collection method: clinical testing. Allele origin: germline.
Comment: Variant summary: BRCA2 c.9583A>G (p.Thr3195Ala) results in a non-conservative amino acid change in the encoded protein sequence. Algorithms developed to predict the effect of missense changes on protein structure and function are either unavailable or do not agree on the potential impact of this missense change. The variant allele was found at a frequency of 1.2e-05 in 251412 control chromosomes. The available data on variant occurrences in the general population are insufficient to allow any conclusion about variant significance. c.9583A>G has been observed in individuals affected with breast and/or ovarian cancer (e.g. Simard_2007, Dutil_2019, Santonocito_2020). These reports do not provide unequivocal conclusions about association of the variant with Hereditary Breast And Ovarian Cancer Syndrome. A study examining variants of uncertain significance in BRCA1/2, the French national COVAR (cosegregation variant) study, classified the variant as likely benign/benign based on variant cosegregation analyses and segregation data, however the detailed data was not available for review (Caputo_2021). To our knowledge, no experimental evidence demonstrating an impact on protein function has been reported. The following publications have been ascertained in the context of this evaluation (PMID: 34597585, 31780696, 28726806, 32438681, 16905680, 23704879). ClinVar contains an entry for this variant (Variation ID: 52872). Based on the evidence outlined above, the variant was classified as uncertain significance.

Quest Diagnostics Nichols Institute San Juan Capistrano
Classification: Uncertain significance. Last evaluated: 2025-05-30. Review status: criteria provided, single submitter. Criteria: Quest Diagnostics criteria. Collection method: clinical testing. Allele origin: unknown.
Comment: The BRCA2 c.9583A>G (p.Thr3195Ala) variant has been reported in the published literature in individuals with a personal or family history of breast and/or ovarian cancer (PMIDs: 16905680 (2007), 32438681 (2020), 33471991 (2021), see also LOVD). A multifactorial analysis study classified this variant as a variant of uncertain significance (PMID: 31131967 (2019)). The frequency of this variant in the general population (Genome Aggregation Database) is uninformative in the assessment of its pathogenicity. Analysis of this variant using bioinformatics tools for the prediction of the effect of amino acid changes on protein structure and function yielded predictions that this variant is benign. Based on the available information, we are unable to determine the clinical significance of this variant.

PreventionGenetics, part of Exact Sciences
Classification: Likely benign for BRCA2-related condition. Last evaluated: 2024-11-06. Review status: criteria provided, single submitter. Criteria: ACMG Guidelines, 2015. Collection method: clinical testing. Allele origin: germline.
Comment: This variant is classified as likely benign based on ACMG/AMP sequence variant interpretation guidelines (Richards et al. 2015 PMID: 25741868, with internal and published modifications).

All of Us Research Program, National Institutes of Health
Classification: Benign for Breast-ovarian cancer, familial, susceptibility to, 2. Last evaluated: 2023-04-03. Review status: criteria provided, single submitter. Criteria: ACMG Guidelines, 2015. Collection method: clinical testing. Allele origin: germline. Inheritance: Autosomal dominant inheritance. Observed: 1 variant allele, 1 heterozygote.
Comment: This study involves interpretation of variants in research participants for the purpose of population health screening. Participant phenotype was not available at the time of variant classification. Additional details can be found in publication PMID: 35346344, PMCID: PMC8962531

Department of Pathology and Laboratory Medicine, Sinai Health System
Classification: Uncertain significance for Familial cancer of breast; Breast-ovarian cancer, familial, susceptibility to, 2. Last evaluated: 2020-10-02. Review status: criteria provided, single submitter. Criteria: ACMG Guidelines, 2015. Collection method: clinical testing. Allele origin: germline. Affected: yes.

GeneDx
Classification: Likely benign. Last evaluated: 2019-05-21. Review status: criteria provided, single submitter. Criteria: GeneDx Variant Classification Process June 2021. Collection method: clinical testing. Allele origin: germline. Affected: yes.
Comment: This variant is associated with the following publications: (PMID: 16905680, 25348012, 26295337, 23704879, 30212499, 28726806)

ARUP Laboratories, Molecular Genetics and Genomics, ARUP Laboratories
Classification: Uncertain significance. Last evaluated: 2018-11-29. Review status: criteria provided, single submitter. Criteria: ARUP Molecular Germline Variant Investigation Process. Collection method: clinical testing. Allele origin: germline.
Comment: The BRCA2 c.9583A>G; p.Thr3195Ala variant (rs80359227), is reported in the literature in at least one individual with a family history of breast and/or ovarian cancer (Simard 2007). This variant is reported as uncertain significance/likely benign by multiple laboratories in ClinVar (Variation ID: 52872), and is only observed on three alleles in the Genome Aggregation Database, indicating it is not a common polymorphism. The threonine at codon 3195 is weakly conserved, and computational analyses (SIFT, PolyPhen-2) predict that this variant is tolerated. Due to limited information, the clinical significance of the p.Thr3195Ala variant is uncertain at this time. References: Simard J et al. Evaluation of BRCA1 and BRCA2 mutation prevalence, risk prediction models and a multistep testing approach in French-Canadian families with high risk of breast and ovarian cancer. J Med Genet. 2007 Feb;44(2):107-21.

Ambry Genetics
Classification: Likely benign for Hereditary cancer-predisposing syndrome. Last evaluated: 2018-09-07. Review status: criteria provided, single submitter. Criteria: Ambry Variant Classification Scheme 2023. Collection method: clinical testing. Allele origin: germline.

Color Diagnostics, LLC DBA Color Health
Classification: Benign for Hereditary cancer-predisposing syndrome. Last evaluated: 2017-01-09. Review status: criteria provided, single submitter. Criteria: ACMG Guidelines, 2015. Collection method: clinical testing. Allele origin: germline.

Counsyl
Classification: Uncertain significance for Breast-ovarian cancer, familial, susceptibility to, 2. Last evaluated: 2015-12-10. Review status: no assertion criteria provided. Collection method: clinical testing. Allele origin: unknown. Not counted in ClinVar's aggregate classification.

Sharing Clinical Reports Project (SCRP)
Classification: Likely benign for Breast-ovarian cancer, familial 2. Last evaluated: 2012-05-01. Review status: no assertion criteria provided. Collection method: clinical testing. Allele origin: germline. Not counted in ClinVar's aggregate classification.

Breast Cancer Information Core (BIC) (BRCA2)
Classification: Uncertain significance for Breast-ovarian cancer, familial 2. Last evaluated: 2004-02-20. Review status: no assertion criteria provided. Collection method: clinical testing. Allele origin: germline. Affected: yes. Observed: 4 variant alleles. Not counted in ClinVar's aggregate classification.

Literature cited by the submitters: PubMed 16905680 (cited by 4 submitters); PubMed 23704879 (cited by Women's Health and Genetics/Laboratory Corporation of America, LabCorp and Quest Diagnostics Nichols Institute San Juan Capistrano); PubMed 28726806 (cited by Women's Health and Genetics/Laboratory Corporation of America, LabCorp); PubMed 32438681 (cited by 3 submitters); PubMed 31780696 (cited by Women's Health and Genetics/Laboratory Corporation of America, LabCorp); PubMed 34597585 (cited by Women's Health and Genetics/Laboratory Corporation of America, LabCorp); PubMed 33471991 (cited by Quest Diagnostics Nichols Institute San Juan Capistrano); PubMed 25348012 (cited by Quest Diagnostics Nichols Institute San Juan Capistrano); PubMed 31911673 (cited by Quest Diagnostics Nichols Institute San Juan Capistrano); PubMed 31131967 (cited by Quest Diagnostics Nichols Institute San Juan Capistrano); PubMed 26295337 (cited by Quest Diagnostics Nichols Institute San Juan Capistrano); PubMed 24817641 (cited by Counsyl).